The following is an entry in ClinVar:

ClinVar aggregate classification (germline): Uncertain significance. Review status: criteria provided, multiple submitters, no conflicts (2 of 4 stars). 4 submissions from 4 submitters: Uncertain significance (4). Last evaluated 2025-06-02.

Conditions:
DICER1-related tumor predisposition. Also called: DICER1-related pleuropulmonary blastoma cancer predisposition syndrome; DICER1 syndrome. Identifiers: Orphanet 284343, MedGen C3839822, MONDO:0100216.
Global developmental delay - lung cysts - overgrowth - Wilms tumor syndrome. Also called: GLOW Syndrome; GLOBAL DEVELOPMENTAL DELAY, LUNG CYSTS, OVERGROWTH, AND WILMS TUMOR. Identifiers: Orphanet 404476, MedGen C4748924, MONDO:0018445, OMIM 618272.
Hereditary cancer-predisposing syndrome. Also called: Hereditary Cancer Syndrome; Tumor predisposition; Neoplastic Syndromes, Hereditary; Hereditary neoplastic syndrome. Identifiers: Orphanet 140162, MedGen C0027672, MeSH D009386, MONDO:0015356.

Allele frequency attached by ClinVar (database versions not stated): gnomAD exomes below 0.00001.
gnomAD v4.1: 1 of 1,614,190 alleles (0.000062%); highest among the groups gnomAD compares: Middle Eastern, 0.016%; no homozygotes.

Submissions (4):

Labcorp Genetics (formerly Invitae), Labcorp
Classification: Uncertain significance for DICER1-related tumor predisposition. Last evaluated: 2025-06-02. Review status: criteria provided, single submitter. Criteria: Invitae Variant Classification Sherloc (09022015). Collection method: clinical testing. Allele origin: germline.
Comment: This sequence change replaces histidine, which is basic and polar, with aspartic acid, which is acidic and polar, at codon 1146 of the DICER1 protein (p.His1146Asp). This variant is present in population databases (no rsID available, gnomAD 0.0009%). This variant has not been reported in the literature in individuals affected with DICER1-related conditions. ClinVar contains an entry for this variant (Variation ID: 651973). Invitae Evidence Modeling of protein sequence and biophysical properties (such as structural, functional, and spatial information, amino acid conservation, physicochemical variation, residue mobility, and thermodynamic stability) indicates that this missense variant is not expected to disrupt DICER1 protein function with a negative predictive value of 95%. In summary, the available evidence is currently insufficient to determine the role of this variant in disease. Therefore, it has been classified as a Variant of Uncertain Significance.

Baylor Genetics
Classification: Uncertain significance for Global developmental delay - lung cysts - overgrowth - Wilms tumor syndrome. Last evaluated: 2024-02-07. Review status: criteria provided, single submitter. Criteria: ACMG Guidelines, 2015. Collection method: clinical testing. Allele origin: unknown.

Ambry Genetics
Classification: Uncertain significance for Hereditary cancer-predisposing syndrome. Last evaluated: 2023-12-29. Review status: criteria provided, single submitter. Criteria: Ambry Variant Classification Scheme 2023. Collection method: clinical testing. Allele origin: germline.
Comment: The p.H1146D variant (also known as c.3436C>G), located in coding exon 20 of the DICER1 gene, results from a C to G substitution at nucleotide position 3436. The histidine at codon 1146 is replaced by aspartic acid, an amino acid with similar properties. This amino acid position is conserved. In addition, the in silico prediction for this alteration is inconclusive. Since supporting evidence is limited at this time, the clinical significance of this alteration remains unclear.

Sema4
Classification: Uncertain significance for Hereditary cancer-predisposing syndrome. Last evaluated: 2021-04-30. Review status: criteria provided, single submitter. Criteria: Sema4 Curation Guidelines. Collection method: curation. Allele origin: germline.
Comment: The DICER1 c.3436C>G (p.H1146D) variant has not been reported in the literature to our knowledge. It was observed in 1/113440 chromosomes of the Non-Finnish European subpopulation in the large and broad cohorts of the Genome Aggregation Database (PMID: 32461654). The variant has been reported in ClinVar (Variation ID 651973). In silico tools suggest the impact of the variant on protein function is inconclusive, though these predictions have not been confirmed by functional studies. The evidence is insufficient to meet ACMG/AMP criteria for classifying the variant as benign or pathogenic. Thus, the clinical significance of this variant is currently uncertain.

NM_177438.3(DICER1):c.3436C>G (p.His1146Asp)

Gene: DICER1 (dicer 1, ribonuclease III; minus strand). Cytogenetic location: 14q32.13.
Variant type: single nucleotide variant.
Coding change: c.3436C>G on transcript NM_177438.3 (MANE Select); coding-DNA position 3436, C replaced by G.
Protein change: p.His1146Asp; replaces histidine 1146 with aspartic acid.
Molecular consequence: missense variant.
Genome position (GRCh38, 1-based): chr14:95,103,960, G>C on the plus strand (C>G on the coding strand, the complement: DICER1 is on the minus strand). VCF-style: chr14-95103960-G-C. GRCh37 (hg19) VCF-style: chr14-95570297-G-C.
Other names: c.3436C>G, p.His1146Asp (NM_001195573.1, NM_001271282.3, NM_001291628.2 and 1 more transcripts); short protein forms H1146D.
Identifiers: ClinVar variation 651973 (VCV000651973.14), dbSNP rs1240541454, ClinGen allele CA390875449.